The following is an entry in ClinVar:

NM_002907.4(RECQL):c.1798-240_1798-236del

Genes: PYROXD1 (pyridine nucleotide-disulphide oxidoreductase domain 1; plus strand), RECQL (RecQ like helicase; minus strand). Cytogenetic location: 12p12.1.
Variant type: Microsatellite.
Coding change: c.1798-240_1798-236del on transcript NM_002907.4 (MANE Select); 240 bases into the intron before coding-DNA position 1798 through 236 bases into the intron before coding-DNA position 1798, 5 bases deleted (CAAGT; older notation c.1798-240_1798-236delCAAGT).
Molecular consequence: intron variant. On other transcripts: 3 prime UTR variant (3).
Genome position (GRCh38, 1-based): chr12:21,470,582-21,470,586, ACTTG deleted on the plus strand (CAAGT on the coding strand, the reverse complement: RECQL is on the minus strand); deleting any 5 consecutive bases within chr12:21,470,582-21,470,593 gives the same sequence; the c. name uses the placement nearest the transcript's 3' end. VCF-style (leftmost placement, unchanged base first): chr12-21470581-CACTTG-C. GRCh37 (hg19) VCF-style: chr12-21623515-CACTTG-C.
Other names: c.*1830TTGAC[1] (NM_001350912.2, NM_001350913.2, NM_024854.5); c.1798-240_1798-236del (NM_032941.3).
Identifiers: ClinVar variation 679771 (VCV000679771.1), dbSNP rs199567816, ClinGen allele CA233564261.

ClinVar aggregate classification (germline): Likely benign (1 of 4 stars; one submission).

Submission:

GeneDx
Classification: Likely benign. Last evaluated: 2018-06-18. Review status: criteria provided, single submitter. Criteria: GeneDx Variant Classification (06012015). Collection method: clinical testing. Allele origin: germline. Affected: yes.
Comment: This variant is considered likely benign or benign based on one or more of the following criteria: it is a conservative change, it occurs at a poorly conserved position in the protein, it is predicted to be benign by multiple in silico algorithms, and/or has population frequency not consistent with disease.